The following is an entry in ClinVar:

ClinVar aggregate classification (germline): Uncertain significance. Review status: criteria provided, multiple submitters, no conflicts (2 of 4 stars). 3 submissions from 3 submitters: Uncertain significance (2). 1 of the submissions does not count toward it. Last evaluated 2022-04-09.

Conditions:
Meckel syndrome, type 3 (MKS3). Also called: MECKEL-GRUBER SYNDROME, TYPE 3. Identifiers: Orphanet 564, MedGen C1846357, MONDO:0011821, OMIM 607361.
Bardet-Biedl syndrome 14 (BBS14). Identifiers: Orphanet 110, MedGen C2673874, MONDO:0014442, OMIM 615991.
Nephronophthisis 11 (NPHP11). Identifiers: Orphanet 84081, MedGen C3150796, MONDO:0013302, OMIM 613550.
COACH syndrome 1. Identifiers: Orphanet 1454, MedGen C5435651, MONDO:0800103, OMIM 216360, MONDO:0008996.
RHYNS syndrome. Also called: RETINITIS PIGMENTOSA SYNDROME; RETINITIS PIGMENTOSA, HYPOPITUITARISM, NEPHRONOPHTHISIS, AND MILD SKELETAL DYSPLASIA. Identifiers: Orphanet 140976, MedGen C1865794, MONDO:0011202, OMIM 602152.
Joubert syndrome 6 (JBTS6). Identifiers: Orphanet 475, MedGen C1853153, MONDO:0012539, OMIM 610688.
TMEM67-related disorder. Also called: TMEM67-related disorders; TMEM67-related condition. Identifiers: MedGen CN239423.
Joubert syndrome. Also called: Familial aplasia of the vermis; JOUBERT-BOLTSHAUSER SYNDROME. Identifiers: Orphanet 475, MedGen C5979921, MONDO:0018772.
Meckel-Gruber syndrome. Also called: DYSENCEPHALIA SPLANCHNOCYSTICA; GRUBER SYNDROME; Dysencephalia splachnocystica. Identifiers: Orphanet 564, MedGen C0265215, MONDO:0018921.

Allele frequency attached by ClinVar (database versions not stated): gnomAD exomes 0.00004 and 0.00002; gnomAD 0.00003; TOPMed 0.00003; ExAC 0.00001.
gnomAD v4.1: 59 of 1,614,110 alleles (0.0037%); highest among the groups gnomAD compares: Non-Finnish European, 0.0047%; no homozygotes.

Submissions (3):

Fulgent Genetics
Classification: Uncertain significance for COACH syndrome 1; RHYNS syndrome; Meckel syndrome, type 3; Joubert syndrome 6; Nephronophthisis 11; Bardet-Biedl syndrome 14. Last evaluated: 2022-04-09. Review status: criteria provided, single submitter. Criteria: ACMG Guidelines, 2015. Collection method: clinical testing. Allele origin: unknown.

Labcorp Genetics (formerly Invitae), Labcorp
Classification: Uncertain significance for Joubert syndrome; Meckel-Gruber syndrome. Last evaluated: 2021-11-28. Review status: criteria provided, single submitter. Criteria: Invitae Variant Classification Sherloc (09022015). Collection method: clinical testing. Allele origin: germline.
Comment: This sequence change replaces phenylalanine, which is neutral and non-polar, with leucine, which is neutral and non-polar, at codon 29 of the TMEM67 protein (p.Phe29Leu). This variant is present in population databases (rs766782158, gnomAD 0.004%). This missense change has been observed in individual(s) with clinical features of Joubert syndrome (PMID: 17160906). ClinVar contains an entry for this variant (Variation ID: 859620). Advanced modeling of protein sequence and biophysical properties (such as structural, functional, and spatial information, amino acid conservation, physicochemical variation, residue mobility, and thermodynamic stability) performed at Invitae indicates that this missense variant is not expected to disrupt TMEM67 protein function. In summary, the available evidence is currently insufficient to determine the role of this variant in disease. Therefore, it has been classified as a Variant of Uncertain Significance.

PreventionGenetics, part of Exact Sciences
Classification: Uncertain significance for TMEM67-related condition. Last evaluated: 2024-08-23. Review status: no assertion criteria provided. Collection method: clinical testing. Allele origin: germline. Not counted in ClinVar's aggregate classification.
Comment: The TMEM67 c.87C>A variant is predicted to result in the amino acid substitution p.Phe29Leu. To our knowledge, this variant has not been reported in the literature. This variant is reported in 0.0039% of alleles in individuals of European (Non-Finnish) descent in gnomAD. At this time, the clinical significance of this variant is uncertain due to the absence of conclusive functional and genetic evidence.

Literature cited by the submitters: PubMed 17160906 (cited by Labcorp Genetics (formerly Invitae), Labcorp).

NM_153704.6(TMEM67):c.87C>A (p.Phe29Leu)

Gene: TMEM67 (transmembrane protein 67; plus strand). Cytogenetic location: 8q22.1.
Variant type: single nucleotide variant.
Coding change: c.87C>A on transcript NM_153704.6 (MANE Select); coding-DNA position 87, C replaced by A.
Protein change: p.Phe29Leu; replaces phenylalanine 29 with leucine.
Molecular consequence: missense variant. On other transcripts: non-coding transcript variant (1), intron variant (1).
Genome position (GRCh38, 1-based): chr8:93,755,001, C>A. VCF-style: chr8-93755001-C-A. GRCh37 (hg19) VCF-style: chr8-94767229-C-A.
Other names: c.-179-19C>A (NM_001142301.1); short protein forms F29L.
Identifiers: ClinVar variation 859620 (VCV000859620.7), dbSNP rs766782158, ClinGen allele CA4807515.